The following is an entry in ClinVar:

NM_007315.4(STAT1):c.2174C>T (p.Pro725Leu)

Gene: STAT1 (signal transducer and activator of transcription 1; minus strand). Cytogenetic location: 2q32.2.
Variant type: single nucleotide variant.
Coding change: c.2174C>T on transcript NM_007315.4 (MANE Select); coding-DNA position 2174, C replaced by T.
Protein change: p.Pro725Leu; replaces proline 725 with leucine.
Molecular consequence: missense variant. On other transcripts: intron variant (1).
Genome position (GRCh38, 1-based): chr2:190,974,894, G>A on the plus strand (C>T on the coding strand, the complement: STAT1 is on the minus strand). VCF-style: chr2-190974894-G-A. GRCh37 (hg19) VCF-style: chr2-191839620-G-A.
Other names: c.2114C>T, p.Pro705Leu (NM_001384880.1); c.2180C>T, p.Pro727Leu (NM_001384881.1); c.2168C>T, p.Pro723Leu (NM_001384882.1); c.2075C>T, p.Pro692Leu (NM_001384883.1); c.2015C>T, p.Pro672Leu (NM_001384885.1); c.2198C>T, p.Pro733Leu (NM_001384886.1); c.2081C>T, p.Pro694Leu (NM_001384887.1); c.2144C>T, p.Pro715Leu (NM_001384888.1); and 4 more; short protein forms P695L, P715L, P723L, P725L, P727L, P692L, P705L, P672L.
Identifiers: ClinVar variation 1034375 (VCV001034375.1), dbSNP rs1691783002, ClinGen allele CA349911704.

ClinVar aggregate classification (germline): Uncertain significance (1 of 4 stars; one submission).

Conditions:
Autoimmune enteropathy and endocrinopathy - susceptibility to chronic infections syndrome. Also called: Immunodeficiency 31C, autosomal dominant; Immunodeficiency 31C. Identifiers: Orphanet 391487, MedGen C3279990, MONDO:0013599, OMIM 614162.

Submission:

Baylor Genetics
Classification: Uncertain significance for Autoimmune enteropathy and endocrinopathy - susceptibility to chronic infections syndrome. Last evaluated: 2018-05-30. Review status: criteria provided, single submitter. Criteria: ACMG Guidelines, 2015. Collection method: clinical testing. Allele origin: unknown. Affected: yes.
Comment: This variant was determined to be of uncertain significance according to ACMG Guidelines, 2015 [PMID:25741868].